The following is an entry in ClinVar:

ClinVar aggregate classification (germline): Uncertain significance (1 of 4 stars; one submission).

Conditions:
Early-infantile DEE. Also called: Early infantile epileptic encephalopathy; Ohtahara syndrome; Early infantile epileptic encephalopathy with suppression bursts. Identifiers: Orphanet 1934, MedGen C0393706, MONDO:0800491.

Allele frequency attached by ClinVar (database versions not stated): gnomAD exomes below 0.00001.
gnomAD v4.1: 1 of 1,614,076 alleles (0.000062%); highest among the groups gnomAD compares: Non-Finnish European, 0.000085%; no homozygotes.

Submission:

Labcorp Genetics (formerly Invitae), Labcorp
Classification: Uncertain significance for Early-infantile DEE. Last evaluated: 2022-09-19. Review status: criteria provided, single submitter. Criteria: Invitae Variant Classification Sherloc (09022015). Collection method: clinical testing. Allele origin: germline.
Comment: In summary, the available evidence is currently insufficient to determine the role of this variant in disease. Therefore, it has been classified as a Variant of Uncertain Significance. Advanced modeling of protein sequence and biophysical properties (such as structural, functional, and spatial information, amino acid conservation, physicochemical variation, residue mobility, and thermodynamic stability) has been performed at Invitae for this missense variant, however the output from this modeling did not meet the statistical confidence thresholds required to predict the impact of this variant on SPTAN1 protein function. ClinVar contains an entry for this variant (Variation ID: 1450160). This variant has not been reported in the literature in individuals affected with SPTAN1-related conditions. This variant is not present in population databases (gnomAD no frequency). This sequence change replaces arginine, which is basic and polar, with threonine, which is neutral and polar, at codon 2347 of the SPTAN1 protein (p.Arg2347Thr).

NM_001130438.3(SPTAN1):c.7040G>C (p.Arg2347Thr)

Gene: SPTAN1 (spectrin alpha, non-erythrocytic 1; plus strand). Cytogenetic location: 9q34.11.
Variant type: single nucleotide variant.
Coding change: c.7040G>C on transcript NM_001130438.3 (MANE Select); coding-DNA position 7040, G replaced by C.
Protein change: p.Arg2347Thr; replaces arginine 2347 with threonine.
Molecular consequence: missense variant.
Genome position (GRCh38, 1-based): chr9:128,632,598, G>C. VCF-style: chr9-128632598-G-C. GRCh37 (hg19) VCF-style: chr9-131394877-G-C.
Other names: c.6965G>C, p.Arg2322Thr (NM_001195532.2); c.7103G>C, p.Arg2368Thr (NM_001363759.2); c.6980G>C, p.Arg2327Thr (NM_001363765.2, NM_001375314.2); c.7127G>C, p.Arg2376Thr (NM_001375310.1); c.7040G>C, p.Arg2347Thr (NM_001375311.2); c.7076G>C, p.Arg2359Thr (NM_001375312.2); c.7022G>C, p.Arg2341Thr (NM_001375313.1); c.7139G>C, p.Arg2380Thr (NM_001375318.1); and 1 more; short protein forms R2342T, R2368T, R2380T, R2341T, R2347T, R2359T, R2322T, R2327T.
Identifiers: ClinVar variation 1450160 (VCV001450160.10), dbSNP rs1859949028, ClinGen allele CA375100270.
Genomic context (GRCh38, chr9:128,632,598, plus strand): 5'-TGCCTGCTGAGCCGCCCTCGGCTTTGTGCTGCAGACACTTTGACAAGGACAAGTCTGGCA[G>C]GCTGAACCATCAGGAGTTCAAATCTTGCCTGCGCTCCCTGGGCTATGACCTGCCCATGGT-3'
Protein context (NP_001123910.1, residues 2337-2357): FKHFDKDKSG[Arg2347Thr]LNHQEFKSCL